The following is an entry in ClinVar:

NM_206933.4(USH2A):c.11065C>T (p.Arg3689Ter)

Gene: USH2A (usherin; minus strand). Cytogenetic location: 1q41.
Variant type: single nucleotide variant.
Coding change: c.11065C>T on transcript NM_206933.4 (MANE Select); coding-DNA position 11065, C replaced by T.
Protein change: p.Arg3689Ter; replaces arginine 3689 with a stop codon.
Molecular consequence: nonsense.
Genome position (GRCh38, 1-based): chr1:215,759,826, G>A on the plus strand (C>T on the coding strand, the complement: USH2A is on the minus strand). VCF-style: chr1-215759826-G-A. GRCh37 (hg19) VCF-style: chr1-215933168-G-A.
Other names: short protein forms R3689*.
Identifiers: ClinVar variation 620107 (VCV000620107.14), dbSNP rs41314534, ClinGen allele CA37426064.

ClinVar aggregate classification (germline): Pathogenic. Review status: criteria provided, multiple submitters, no conflicts (2 of 4 stars). 8 submissions from 8 submitters: Pathogenic (7). 1 of the submissions does not count toward it. Last evaluated 2025-12-08.

Conditions:
USH2A-related disorder. Also called: USH2A-related condition; USH2A-related disorders. Identifiers: MedGen CN239332.
Retinitis pigmentosa (RP). Identifiers: Orphanet 791, MedGen C0035334, MeSH D012174, MONDO:0019200, OMIM 268000. Inheritance: Autosomal dominant, autosomal recessive and X linked inheritance.
Usher syndrome type 2A. Also called: USHER SYNDROME, TYPE IIA; RETINAL DISEASE IN USHER SYNDROME TYPE IIA, MODIFIER OF. Identifiers: Orphanet 231178, Orphanet 886, MedGen C1848634, MONDO:0010169, OMIM 276901.
Retinitis pigmentosa 39 (RP39). Identifiers: Orphanet 791, MedGen C3151138, MONDO:0013436, OMIM 613809.
Retinal disorder. Also called: Retinal disorders; Retinopathies; Retinal Diseases; Retinopathy. Identifiers: MedGen C0035309, MONDO:0005283, HP:0000488.

gnomAD v4.1: 2 of 1,613,850 alleles (0.00012%); highest among the groups gnomAD compares: Non-Finnish European, 0.00017%; no homozygotes.

Submissions (8):

Genetics Laboratory, Great Ormond Street Hospital NHS Foundation Trust, North Thames Genomic Laboratory Hub
Classification: Pathogenic for Retinal disorders. Last evaluated: 2025-12-08. Review status: criteria provided, single submitter. Criteria: ACGS Best Practice Guidelines for Variant Classification in Rare Disease 2024 v1.2. Collection method: clinical testing. Allele origin: germline. Affected: yes.
Comment: PM2_moderate, PVS1_very-strong, PM3_moderate

Myriad Genetics, Inc.
Classification: Pathogenic for USH2A-related disorder. Last evaluated: 2025-11-20. Review status: criteria provided, single submitter. Criteria: Myriad Autosomal Dominant, Autosomal Recessive and X-Linked Classification Criteria (2023). Collection method: clinical testing. Allele origin: unknown.
Comment: NM_206933.2(USH2A):c.11065C>T(R3689*) is a nonsense variant classified as pathogenic in the context of USH2A-related disorders. R3689* has been observed in cases with relevant disease (PMID: 22135276, 25404053, 28944237, 31998945). Relevant functional assessments of this variant are not available in the literature. R3689* has not been observed in referenced population frequency databases. In summary, NM_206933.2(USH2A):c.11065C>T(R3689*) is a nonsense variant in a gene where loss of function is a known mechanism of disease, is predicted to disrupt protein function, and has been observed more frequently in cases with the relevant disease than in healthy populations. Please note: this variant was assessed in the context of healthy population screening.

GeneDx
Classification: Pathogenic. Last evaluated: 2024-09-12. Review status: criteria provided, single submitter. Criteria: GeneDx Variant Classification Process June 2021. Collection method: clinical testing. Allele origin: germline. Affected: yes.
Comment: Nonsense variant predicted to result in protein truncation or nonsense mediated decay in a gene for which loss of function is a known mechanism of disease; Not observed at significant frequency in large population cohorts (gnomAD); This variant is associated with the following publications: (PMID: 22135276, 25404053, 37734845, 31266775, 35457016, 38219857, 28944237)

Genome-Nilou Lab
Classification: Pathogenic for Usher syndrome type 2A. Last evaluated: 2023-11-04. Review status: criteria provided, single submitter. Criteria: ACMG Guidelines, 2015. Collection method: clinical testing. Allele origin: germline. Affected: no.

Baylor Genetics
Classification: Pathogenic for Retinitis pigmentosa 39. Last evaluated: 2023-10-09. Review status: criteria provided, single submitter. Criteria: ACMG Guidelines, 2015. Collection method: clinical testing. Allele origin: unknown.

Labcorp Genetics (formerly Invitae), Labcorp
Classification: Pathogenic. Last evaluated: 2022-09-23. Review status: criteria provided, single submitter. Criteria: Invitae Variant Classification Sherloc (09022015). Collection method: clinical testing. Allele origin: germline.
Comment: For these reasons, this variant has been classified as Pathogenic. ClinVar contains an entry for this variant (Variation ID: 620107). This premature translational stop signal has been observed in individual(s) with Usher syndrome (PMID: 25404053, 31266775). This variant is not present in population databases (gnomAD no frequency). This sequence change creates a premature translational stop signal (p.Arg3689*) in the USH2A gene. It is expected to result in an absent or disrupted protein product. Loss-of-function variants in USH2A are known to be pathogenic (PMID: 10729113, 10909849, 20507924, 25649381).

Institute of Medical Genetics and Applied Genomics, University Hospital Tübingen
Classification: Pathogenic. Last evaluated: 2021-06-17. Review status: criteria provided, single submitter. Criteria: ACMG Guidelines, 2015. Collection method: clinical testing. Allele origin: germline. Inheritance: Autosomal recessive inheritance. Affected: yes.

Gen-Eye Clinic, Grow Research Laboratory, Narayana Nethralaya
Classification: Pathogenic for Retinitis pigmentosa. Last evaluated: 2024-01-22. Review status: no assertion criteria provided. Collection method: clinical testing. Allele origin: germline. Affected: yes. Not counted in ClinVar's aggregate classification.

Literature cited by the submitters: PubMed 22135276 (cited by Myriad Genetics, Inc. and Gen-Eye Clinic, Grow Research Laboratory, Narayana Nethralaya); PubMed 25404053 (cited by Myriad Genetics, Inc. and Labcorp Genetics (formerly Invitae), Labcorp); PubMed 28944237 (cited by Myriad Genetics, Inc.); PubMed 31998945 (cited by Myriad Genetics, Inc.); PubMed 31266775 (cited by Labcorp Genetics (formerly Invitae), Labcorp); PubMed 10729113 (cited by Labcorp Genetics (formerly Invitae), Labcorp); PubMed 10909849 (cited by Labcorp Genetics (formerly Invitae), Labcorp); PubMed 20507924 (cited by Labcorp Genetics (formerly Invitae), Labcorp); PubMed 25649381 (cited by Labcorp Genetics (formerly Invitae), Labcorp).